The following is an entry in ClinVar:

NM_032228.6(FAR1):c.1198G>A (p.Val400Ile)

Gene: FAR1 (fatty acyl-CoA reductase 1; plus strand). Cytogenetic location: 11p15.3.
Variant type: single nucleotide variant.
Coding change: c.1198G>A on transcript NM_032228.6 (MANE Select); coding-DNA position 1198, G replaced by A.
Protein change: p.Val400Ile; replaces valine 400 with isoleucine.
Molecular consequence: missense variant.
Genome position (GRCh38, 1-based): chr11:13,721,800, G>A. VCF-style: chr11-13721800-G-A. GRCh37 (hg19) VCF-style: chr11-13743347-G-A.
Other names: short protein forms V400I.
Identifiers: ClinVar variation 1512332 (VCV001512332.6), dbSNP rs2134199428, ClinGen allele CA379858788.
Genomic context (GRCh38, chr11:13,721,800, plus strand): 5'-ACAATAACTCGTCTTCACAAAGCTATGGTGTTTCTTGAATATTTCACAAGTAATTCTTGG[G>A]TTTGGAATACTGAGAATGTCAATATGTTAATGAATCAACTAAACCCTGAAGATAAAAAGG-3'
Protein context (NP_115604.1, residues 390-410): FLEYFTSNSW[Val400Ile]WNTENVNMLM

ClinVar aggregate classification (germline): Uncertain significance (1 of 4 stars; one submission).

Submission:

Labcorp Genetics (formerly Invitae), Labcorp
Classification: Uncertain significance. Last evaluated: 2024-01-19. Review status: criteria provided, single submitter. Criteria: Invitae Variant Classification Sherloc (09022015). Collection method: clinical testing. Allele origin: germline.
Comment: This sequence change replaces valine, which is neutral and non-polar, with isoleucine, which is neutral and non-polar, at codon 400 of the FAR1 protein (p.Val400Ile). This variant is not present in population databases (gnomAD no frequency). This variant has not been reported in the literature in individuals affected with FAR1-related conditions. ClinVar contains an entry for this variant (Variation ID: 1512332). Advanced modeling of protein sequence and biophysical properties (such as structural, functional, and spatial information, amino acid conservation, physicochemical variation, residue mobility, and thermodynamic stability) performed at Invitae indicates that this missense variant is not expected to disrupt FAR1 protein function with a negative predictive value of 80%. In summary, the available evidence is currently insufficient to determine the role of this variant in disease. Therefore, it has been classified as a Variant of Uncertain Significance.